The following is an entry in ClinVar:

NM_000051.4(ATM):c.497-1G>T

Gene: ATM (ATM serine/threonine kinase; plus strand). Cytogenetic location: 11q22.3.
Variant type: single nucleotide variant.
Coding change: c.497-1G>T on transcript NM_000051.4 (MANE Select); the canonical splice acceptor site of the intron before coding-DNA position 497, G replaced by T.
Molecular consequence: splice acceptor variant.
Genome position (GRCh38, 1-based): chr11:108,243,952, G>T. VCF-style: chr11-108243952-G-T. GRCh37 (hg19) VCF-style: chr11-108114679-G-T.
Other names: c.497-1G>T (NM_001351834.2).
Identifiers: ClinVar variation 802723 (VCV000802723.11), dbSNP rs778624615, ClinGen allele CA382527391.

ClinVar aggregate classification (germline): Conflicting classifications of pathogenicity. Review status: criteria provided, conflicting classifications (1 of 4 stars). 6 submissions from 6 submitters: Likely pathogenic (5); Uncertain significance (1). Last evaluated 2024-12-18.

Conditions:
Ataxia-telangiectasia syndrome (AT). Also called: Ataxia-telangiectasia, complementation group E; Ataxia-telangiectasia, complementation group D; Ataxia telangiectasia (A-T); LOUIS-BAR SYNDROME; ATAXIA-TELANGIECTASIA, COMPLEMENTATION GROUP A; ATAXIA-TELANGIECTASIA, FRESNO VARIANT. Identifiers: Orphanet 100, MedGen C0004135, MONDO:0008840, OMIM 208900.
Familial cancer of breast. Also called: BREAST CANCER, FAMILIAL; Hereditary breast cancer; hereditary breast carcinoma. Identifiers: Orphanet 227535, MedGen C0346153, MONDO:0016419, OMIM 114480. Disease mechanism: loss of function.
Hereditary cancer-predisposing syndrome. Also called: Neoplastic Syndromes, Hereditary; Hereditary Cancer Syndrome; Tumor predisposition; Hereditary neoplastic syndrome. Identifiers: Orphanet 140162, MedGen C0027672, MeSH D009386, MONDO:0015356.

Submissions (6):

Labcorp Genetics (formerly Invitae), Labcorp
Classification: Likely pathogenic for Ataxia-telangiectasia syndrome. Last evaluated: 2024-12-18. Review status: criteria provided, single submitter. Criteria: Invitae Variant Classification Sherloc (09022015). Collection method: clinical testing. Allele origin: germline.
Comment: This sequence change affects an acceptor splice site in intron 5 of the ATM gene. RNA analysis indicates that disruption of this splice site induces altered splicing and may result in an absent or altered protein product. This variant is not present in population databases (gnomAD no frequency). This variant has not been reported in the literature in individuals affected with ATM-related conditions. ClinVar contains an entry for this variant (Variation ID: 802723). Studies have shown that disruption of this splice site results in activation of a cryptic splice site, and produces a non-functional protein and/or introduces a premature termination codon (internal data). In summary, the currently available evidence indicates that the variant is pathogenic, but additional data are needed to prove that conclusively. Therefore, this variant has been classified as Likely Pathogenic.

Myriad Genetics, Inc.
Classification: Likely pathogenic for Familial cancer of breast. Last evaluated: 2024-01-09. Review status: criteria provided, single submitter. Criteria: Myriad Autosomal Dominant, Autosomal Recessive and X-Linked Classification Criteria (2023). Collection method: clinical testing. Allele origin: unknown.
Comment: This variant is considered likely pathogenic. This variant occurs within a consensus splice junction and is predicted to result in abnormal mRNA splicing of either an out-of-frame exon or an in-frame exon necessary for protein stability and/or normal function.

Baylor Genetics
Classification: Likely pathogenic for Familial cancer of breast. Last evaluated: 2023-03-24. Review status: criteria provided, single submitter. Criteria: ACMG Guidelines, 2015. Collection method: clinical testing. Allele origin: unknown.

Ambry Genetics
Classification: Likely pathogenic for Hereditary cancer-predisposing syndrome. Last evaluated: 2022-10-31. Review status: criteria provided, single submitter. Criteria: Ambry Variant Classification Scheme 2023. Collection method: clinical testing. Allele origin: germline.
Comment: The c.497-1G>T intronic variant results from a G to T substitution one nucleotide upstream from coding exon 5 of the ATM gene. This nucleotide position is highly conserved in available vertebrate species. In silico splice site analysis predicts that this alteration will weaken the native splice acceptor site; however, direct evidence is insufficient at this time (Ambry internal data). This variant is considered to be rare based on population cohorts in the Genome Aggregation Database (gnomAD). Alterations that disrupt the canonical splice site are expected to cause aberrant splicing, resulting in an abnormal protein or a transcript that is subject to nonsense-mediated mRNA decay. As such, this alteration is classified as likely pathogenic.

Color Diagnostics, LLC DBA Color Health
Classification: Likely pathogenic for Hereditary cancer-predisposing syndrome. Last evaluated: 2021-02-12. Review status: criteria provided, single submitter. Criteria: ACMG Guidelines, 2015. Collection method: clinical testing. Allele origin: germline.
Comment: This variant causes a G to T nucleotide substitution at the -1 position of intron 5 of the ATM gene. Splice site prediction tools suggest that this variant may have a significant impact on RNA splicing. Although this prediction has not been confirmed in published RNA studies, this variant is expected to result in an absent or disrupted protein product. To our knowledge, this variant has not been reported in individuals affected with hereditary cancer in the literature. This variant has not been identified in the general population by the Genome Aggregation Database (gnomAD). Loss of ATM function is a known mechanism of disease. Based on the available evidence, this variant is classified as Likely Pathogenic.

Mendelics
Classification: Uncertain significance for Ataxia-telangiectasia syndrome. Last evaluated: 2019-05-28. Review status: criteria provided, single submitter. Criteria: Mendelics Assertion Criteria 2017. Collection method: clinical testing. Allele origin: unknown.